The following is an entry in ClinVar:

NM_177972.3(TUB):c.163C>T (p.Arg55Trp)

Gene: TUB (TUB bipartite transcription factor; plus strand). Cytogenetic location: 11p15.4.
Variant type: single nucleotide variant.
Coding change: c.163C>T on transcript NM_177972.3 (MANE Select); coding-DNA position 163, C replaced by T.
Protein change: p.Arg55Trp; replaces arginine 55 with tryptophan.
Molecular consequence: missense variant.
Genome position (GRCh38, 1-based): chr11:8,090,141, C>T. VCF-style: chr11-8090141-C-T. GRCh37 (hg19) VCF-style: chr11-8111688-C-T.
Other names: c.328C>T, p.Arg110Trp (NM_003320.5); short protein forms R110W, R55W.
Identifiers: ClinVar variation 851113 (VCV000851113.11), dbSNP rs368970627, ClinGen allele CA5870977.

ClinVar aggregate classification (germline): Uncertain significance. Review status: criteria provided, multiple submitters, no conflicts (2 of 4 stars). 4 submissions from 4 submitters: Uncertain significance (4). Last evaluated 2025-11-20.

Conditions:
TUB-related disorder. Also called: TUB-related condition.

Allele frequency attached by ClinVar (database versions not stated): gnomAD exomes 0.00002 and 0.00003; TOPMed 0.00002; gnomAD 0.00003 and 0.00004; ExAC 0.00004; ESP Exome Variant Server 0.00008.

Submissions (4):

PreventionGenetics, part of Exact Sciences
Classification: Uncertain significance for TUB-related condition. Last evaluated: 2025-11-20. Review status: criteria provided, single submitter. Criteria: ACMG Guidelines, 2015. Collection method: clinical testing. Allele origin: germline.
Comment: The TUB c.328C>T variant is predicted to result in the amino acid substitution p.Arg110Trp. To our knowledge, this variant has not been reported in the literature. This variant is reported in 0.0050% of alleles in individuals of East Asian descent in gnomAD. At this time, the clinical significance of this variant is uncertain due to the absence of conclusive functional and genetic evidence.

Ambry Genetics
Classification: Uncertain significance. Last evaluated: 2025-05-20. Review status: criteria provided, single submitter. Criteria: Ambry Variant Classification Scheme 2023. Collection method: clinical testing. Allele origin: germline.

Labcorp Genetics (formerly Invitae), Labcorp
Classification: Uncertain significance. Last evaluated: 2024-12-02. Review status: criteria provided, single submitter. Criteria: Invitae Variant Classification Sherloc (09022015). Collection method: clinical testing. Allele origin: germline.
Comment: This sequence change replaces arginine, which is basic and polar, with tryptophan, which is neutral and slightly polar, at codon 110 of the TUB protein (p.Arg110Trp). This variant is present in population databases (rs368970627, gnomAD 0.005%). This variant has not been reported in the literature in individuals affected with TUB-related conditions. ClinVar contains an entry for this variant (Variation ID: 851113). An algorithm developed to predict the effect of missense changes on protein structure and function (PolyPhen-2) suggests that this variant is likely to be disruptive. In summary, the available evidence is currently insufficient to determine the role of this variant in disease. Therefore, it has been classified as a Variant of Uncertain Significance.

Blueprint Genetics
Classification: Uncertain significance. Last evaluated: 2022-08-19. Review status: criteria provided, single submitter. Criteria: ACMG Guidelines, 2015. Collection method: clinical testing. Allele origin: germline.